The following is an entry in ClinVar:

NM_020779.4(WDR35):c.376G>A (p.Asp126Asn)

Gene: WDR35 (WD repeat domain 35; minus strand). Cytogenetic location: 2p24.1.
Variant type: single nucleotide variant.
Coding change: c.376G>A on transcript NM_020779.4 (MANE Select); coding-DNA position 376, G replaced by A.
Protein change: p.Asp126Asn; replaces aspartic acid 126 with asparagine.
Molecular consequence: missense variant.
Genome position (GRCh38, 1-based): chr2:19,978,811, C>T on the plus strand (G>A on the coding strand, the complement: WDR35 is on the minus strand). VCF-style: chr2-19978811-C-T. GRCh37 (hg19) VCF-style: chr2-20178572-C-T.
Other names: c.376G>A, p.Asp126Asn (NM_001006657.2); short protein forms D126N.
Identifiers: ClinVar variation 2132705 (VCV002132705.4), dbSNP rs2527642642, ClinGen allele CA345947876.

ClinVar aggregate classification (germline): Uncertain significance (1 of 4 stars; one submission).

Conditions:
Short-rib thoracic dysplasia 7 with or without polydactyly (SRTD7). Also called: SHORT-RIB THORACIC DYSPLASIA 7 WITH POLYDACTYLY; Short rib polydactyly syndrome 5. Identifiers: Orphanet 498497, Orphanet 93271, MedGen C3279792, MONDO:0013569, OMIM 614091.
Cranioectodermal dysplasia 2 (CED2). Identifiers: Orphanet 1515, MedGen C3150874, MONDO:0013323, OMIM 613610.

Submission:

Labcorp Genetics (formerly Invitae), Labcorp
Classification: Uncertain significance for Cranioectodermal dysplasia 2; Short-rib thoracic dysplasia 7 with or without polydactyly. Last evaluated: 2022-08-22. Review status: criteria provided, single submitter. Criteria: Invitae Variant Classification Sherloc (09022015). Collection method: clinical testing. Allele origin: germline.
Comment: This variant is not present in population databases (gnomAD no frequency). In summary, the available evidence is currently insufficient to determine the role of this variant in disease. Therefore, it has been classified as a Variant of Uncertain Significance. Algorithms developed to predict the effect of missense changes on protein structure and function are either unavailable or do not agree on the potential impact of this missense change (SIFT: "Deleterious"; PolyPhen-2: "Probably Damaging"; Align-GVGD: "Class C0"). This variant has not been reported in the literature in individuals affected with WDR35-related conditions. This sequence change replaces aspartic acid, which is acidic and polar, with asparagine, which is neutral and polar, at codon 126 of the WDR35 protein (p.Asp126Asn).